The following is an entry in ClinVar:

ClinVar aggregate classification (germline): Benign/Likely benign. Review status: criteria provided, multiple submitters, no conflicts (2 of 4 stars). 3 submissions from 3 submitters: Benign (1); Likely benign (2). Last evaluated 2024-06-27.

Conditions:
Hereditary cancer-predisposing syndrome. Also called: Neoplastic Syndromes, Hereditary; Tumor predisposition; Hereditary Cancer Syndrome; Hereditary neoplastic syndrome. Identifiers: Orphanet 140162, MedGen C0027672, MeSH D009386, MONDO:0015356.
Oligodontia-cancer predisposition syndrome. Also called: TOOTH AGENESIS-COLORECTAL CANCER SYNDROME. Identifiers: Orphanet 300576, MedGen C1837750, MONDO:0012075, OMIM 608615. Disease mechanism: loss of function.

Submissions (3):

Myriad Genetics, Inc.
Classification: Benign for Oligodontia-cancer predisposition syndrome. Last evaluated: 2024-06-27. Review status: criteria provided, single submitter. Criteria: Myriad Autosomal Dominant, Autosomal Recessive and X-Linked Classification Criteria (2023). Collection method: clinical testing. Allele origin: unknown.
Comment: This variant is considered benign. This variant is a silent/synonymous amino acid change and it is not expected to impact splicing.

Labcorp Genetics (formerly Invitae), Labcorp
Classification: Likely benign for Oligodontia-cancer predisposition syndrome. Last evaluated: 2024-04-30. Review status: criteria provided, single submitter. Criteria: Invitae Variant Classification Sherloc (09022015). Collection method: clinical testing. Allele origin: germline.

Ambry Genetics
Classification: Likely benign for Hereditary cancer-predisposing syndrome. Last evaluated: 2019-06-01. Review status: criteria provided, single submitter. Criteria: Ambry Variant Classification Scheme 2023. Collection method: clinical testing. Allele origin: germline.

NM_004655.4(AXIN2):c.642A>C (p.Gly214=)

Gene: AXIN2 (axin 2; minus strand). Cytogenetic location: 17q24.1.
Variant type: single nucleotide variant.
Coding change: c.642A>C on transcript NM_004655.4 (MANE Select); coding-DNA position 642, A replaced by C.
Protein change: p.Gly214=; no amino-acid change (glycine 214 retained).
Molecular consequence: synonymous variant.
Genome position (GRCh38, 1-based): chr17:65,557,979, T>G on the plus strand (A>C on the coding strand, the complement: AXIN2 is on the minus strand). VCF-style: chr17-65557979-T-G. GRCh37 (hg19) VCF-style: chr17-63554097-T-G.
Other names: c.642A>C (LRG_296t1); c.642A>C, p.Gly214= (NM_001363813.1).
Identifiers: ClinVar variation 464634 (VCV000464634.16), dbSNP rs1555583319, ClinGen allele CA501691467.
Genomic context (GRCh38, chr17:65,557,979, plus strand): 5'-CCACTCCTCTTCTTCATTCAAGGTGGGGAGATAGCCACACACGACCTTTAGGCTCCCGAG[T>G]CCCCCATTACTCATGTAAGCTGTGTTTTCTCCCCCACTCCTCACATATTCGAGGTATATA-3'
Protein context (NP_004646.3, residues 204-224): GENTAYMSNG[Gly214=]LGSLKVVCGY